The following is an entry in ClinVar:

ClinVar aggregate classification (germline): Uncertain significance. Review status: criteria provided, multiple submitters, no conflicts (2 of 4 stars). 2 submissions from 2 submitters: Uncertain significance (2). Last evaluated 2025-07-14.

Conditions:
Charcot-Marie-Tooth disease type 2. Also called: Charcot-Marie-Tooth type 2. Identifiers: Orphanet 64746, MedGen C0270914, MONDO:0018993.

Allele frequency attached by ClinVar (database versions not stated): gnomAD 0.00001 and 0.00002; gnomAD exomes 0.00001 and 0.00003; ExAC 0.00001; TOPMed 0.00003.
gnomAD v4.1: 45 of 1,613,910 alleles (0.0028%); highest among the groups gnomAD compares: Non-Finnish European, 0.0036%; no homozygotes.

Submissions (2):

Labcorp Genetics (formerly Invitae), Labcorp
Classification: Uncertain significance for Charcot-Marie-Tooth disease type 2. Last evaluated: 2025-07-14. Review status: criteria provided, single submitter. Criteria: Invitae Variant Classification Sherloc (09022015). Collection method: clinical testing. Allele origin: germline.
Comment: This sequence change replaces arginine, which is basic and polar, with glutamine, which is neutral and polar, at codon 1571 of the KIF1B protein (p.Arg1571Gln). This variant is present in population databases (rs775481158, gnomAD 0.0009%). This missense change has been observed in individual(s) with clinical features of KIF1B-related conditions (PMID: 34169998). ClinVar contains an entry for this variant (Variation ID: 575103). An algorithm developed to predict the effect of missense changes on protein structure and function (PolyPhen-2) suggests that this variant is likely to be disruptive. Algorithms developed to predict the effect of sequence changes on RNA splicing suggest that this variant may disrupt the consensus splice site. In summary, the available evidence is currently insufficient to determine the role of this variant in disease. Therefore, it has been classified as a Variant of Uncertain Significance.

Ambry Genetics
Classification: Uncertain significance. Last evaluated: 2023-12-29. Review status: criteria provided, single submitter. Criteria: Ambry Variant Classification Scheme 2023. Collection method: clinical testing. Allele origin: germline.
Comment: The p.R1571Q variant (also known as c.4712G>A), located in coding exon 42 of the KIF1B gene, results from a G to A substitution at nucleotide position 4712. The arginine at codon 1571 is replaced by glutamine, an amino acid with highly similar properties. This amino acid position is conserved. In addition, this alteration is predicted to be tolerated by in silico analysis. Since supporting evidence is limited at this time, the clinical significance of this alteration remains unclear.

Literature cited by the submitters: PubMed 34169998 (cited by Labcorp Genetics (formerly Invitae), Labcorp).

NM_001365951.3(KIF1B):c.4850G>A (p.Arg1617Gln)

Gene: KIF1B (kinesin family member 1B; plus strand). Cytogenetic location: 1p36.22.
Variant type: single nucleotide variant.
Coding change: c.4850G>A on transcript NM_001365951.3 (MANE Select); coding-DNA position 4850, G replaced by A.
Protein change: p.Arg1617Gln; replaces arginine 1617 with glutamine.
Molecular consequence: missense variant.
Genome position (GRCh38, 1-based): chr1:10,371,166, G>A. VCF-style: chr1-10371166-G-A. GRCh37 (hg19) VCF-style: chr1-10431224-G-A.
Other names: c.4850G>A, p.Arg1617Gln (NM_001365952.1); c.4712G>A, p.Arg1571Gln (NM_015074.3); short protein forms R1571Q, R1617Q.
Identifiers: ClinVar variation 575103 (VCV000575103.11), dbSNP rs775481158, ClinGen allele CA582210.